The following is an entry in ClinVar:

NM_000553.6(WRN):c.2378C>A (p.Thr793Lys)

Gene: WRN (WRN RecQ like helicase; plus strand). Cytogenetic location: 8p12.
Variant type: single nucleotide variant.
Coding change: c.2378C>A on transcript NM_000553.6 (MANE Select); coding-DNA position 2378, C replaced by A.
Protein change: p.Thr793Lys; replaces threonine 793 with lysine.
Molecular consequence: missense variant.
Genome position (GRCh38, 1-based): chr8:31,116,458, C>A. VCF-style: chr8-31116458-C-A. GRCh37 (hg19) VCF-style: chr8-30973974-C-A.
Other names: short protein forms T793K.
Identifiers: ClinVar variation 1413221 (VCV001413221.6), dbSNP rs2130305763, ClinGen allele CA370913712.

ClinVar aggregate classification (germline): Uncertain significance (1 of 4 stars; one submission).

Conditions:
Werner syndrome (WRN). Identifiers: Orphanet 902, MedGen C0043119, MONDO:0010196, OMIM 277700.

Submission:

Labcorp Genetics (formerly Invitae), Labcorp
Classification: Uncertain significance for Werner syndrome. Last evaluated: 2024-04-02. Review status: criteria provided, single submitter. Criteria: Invitae Variant Classification Sherloc (09022015). Collection method: clinical testing. Allele origin: germline.
Comment: This sequence change replaces threonine, which is neutral and polar, with lysine, which is basic and polar, at codon 793 of the WRN protein (p.Thr793Lys). This variant is not present in population databases (gnomAD no frequency). This variant has not been reported in the literature in individuals affected with WRN-related conditions. ClinVar contains an entry for this variant (Variation ID: 1413221). An algorithm developed to predict the effect of missense changes on protein structure and function (PolyPhen-2) suggests that this variant is likely to be disruptive. In summary, the available evidence is currently insufficient to determine the role of this variant in disease. Therefore, it has been classified as a Variant of Uncertain Significance.